The following is an entry in ClinVar:

NM_002497.4(NEK2):c.867A>G (p.Gln289=)

Gene: NEK2 (NIMA related kinase 2; minus strand). Cytogenetic location: 1q32.3.
Variant type: single nucleotide variant.
Coding change: c.867A>G on transcript NM_002497.4 (MANE Select); coding-DNA position 867, A replaced by G.
Protein change: p.Gln289=; no amino-acid change (glutamine 289 retained).
Molecular consequence: synonymous variant.
Genome position (GRCh38, 1-based): chr1:211,669,231, T>C on the plus strand (A>G on the coding strand, the complement: NEK2 is on the minus strand). VCF-style: chr1-211669231-T-C. GRCh37 (hg19) VCF-style: chr1-211842573-T-C.
Other names: c.867A>G, p.Gln289= (NM_001204182.2, NM_001204183.2).
Identifiers: ClinVar variation 1585704 (VCV001585704.34), dbSNP rs571593081, ClinGen allele CA1381575.

ClinVar aggregate classification (germline): Likely benign. Review status: criteria provided, multiple submitters, no conflicts (2 of 4 stars). 3 submissions from 3 submitters: Likely benign (3). Last evaluated 2025-06-22.

Allele frequency attached by ClinVar (database versions not stated): TOPMed 0.00004; ExAC 0.00007; gnomAD 0.00007; gnomAD exomes 0.00009.
gnomAD v4.1: 75 of 1,613,974 alleles (0.0046%); highest among the groups gnomAD compares: African/African-American, 0.0027%; no homozygotes.

Submissions (3):

Labcorp Genetics (formerly Invitae), Labcorp
Classification: Likely benign. Last evaluated: 2025-06-22. Review status: criteria provided, single submitter. Criteria: Invitae Variant Classification Sherloc (09022015). Collection method: clinical testing. Allele origin: germline.

Blueprint Genetics
Classification: Likely benign. Last evaluated: 2024-07-25. Review status: criteria provided, single submitter. Criteria: ACMG Guidelines, 2015. Collection method: clinical testing. Allele origin: germline.

CeGaT Center for Human Genetics Tuebingen
Classification: Likely benign. Last evaluated: 2023-01-01. Review status: criteria provided, single submitter. Criteria: CeGaT Center For Human Genetics Tuebingen Variant Classification Criteria Version 2. Collection method: clinical testing. Allele origin: germline. Affected: yes. Observed: 1 variant allele.
Comment: NEK2: BP4, BP7